The following is an entry in ClinVar:

NM_144997.7(FLCN):c.241A>G (p.Met81Val)

Gene: FLCN (folliculin; minus strand). Cytogenetic location: 17p11.2.
Variant type: single nucleotide variant.
Coding change: c.241A>G on transcript NM_144997.7 (MANE Select); coding-DNA position 241, A replaced by G.
Protein change: p.Met81Val; replaces methionine 81 with valine.
Molecular consequence: missense variant.
Genome position (GRCh38, 1-based): chr17:17,227,897, T>C on the plus strand (A>G on the coding strand, the complement: FLCN is on the minus strand). VCF-style: chr17-17227897-T-C. GRCh37 (hg19) VCF-style: chr17-17131211-T-C.
Other names: c.241A>G (LRG_325t1); c.241A>G, p.Met81Val (NM_001353229.2, NM_001353230.2, NM_001353231.2 and 1 more transcripts); short protein forms M81V.
Identifiers: ClinVar variation 648489 (VCV000648489.9), dbSNP rs745521431, ClinGen allele CA8416486.

ClinVar aggregate classification (germline): Uncertain significance. Review status: criteria provided, multiple submitters, no conflicts (2 of 4 stars). 3 submissions from 3 submitters: Uncertain significance (3). Last evaluated 2024-02-22.

Conditions:
Hereditary cancer-predisposing syndrome. Also called: Hereditary Cancer Syndrome; Tumor predisposition; Neoplastic Syndromes, Hereditary; Hereditary neoplastic syndrome. Identifiers: Orphanet 140162, MedGen C0027672, MeSH D009386, MONDO:0015356.
Birt-Hogg-Dube syndrome. Also called: Birt Hogg Dubé syndrome. Identifiers: Orphanet 122, MedGen C0346010, MONDO:0800444.

Allele frequency attached by ClinVar (database versions not stated): gnomAD exomes below 0.00001; ExAC 0.00001.
gnomAD v4.1: 3 of 1,614,146 alleles (0.00019%); highest among the groups gnomAD compares: Non-Finnish European, 0.00025%; no homozygotes.

Submissions (3):

Ambry Genetics
Classification: Uncertain significance for Hereditary cancer-predisposing syndrome. Last evaluated: 2024-02-22. Review status: criteria provided, single submitter. Criteria: Ambry Variant Classification Scheme 2023. Collection method: clinical testing. Allele origin: germline.
Comment: The p.M81V variant (also known as c.241A>G), located in coding exon 1 of the FLCN gene, results from an A to G substitution at nucleotide position 241. The methionine at codon 81 is replaced by valine, an amino acid with highly similar properties. This amino acid position is highly conserved in available vertebrate species. In addition, this alteration is predicted to be deleterious by in silico analysis. Since supporting evidence is limited at this time, the clinical significance of this alteration remains unclear.

Baylor Genetics
Classification: Uncertain significance for Birt-Hogg-Dube syndrome 1. Last evaluated: 2023-08-14. Review status: criteria provided, single submitter. Criteria: ACMG Guidelines, 2015. Collection method: clinical testing. Allele origin: unknown.

Labcorp Genetics (formerly Invitae), Labcorp
Classification: Uncertain significance for Birt-Hogg-Dube syndrome. Last evaluated: 2022-11-15. Review status: criteria provided, single submitter. Criteria: Invitae Variant Classification Sherloc (09022015). Collection method: clinical testing. Allele origin: germline.
Comment: In summary, the available evidence is currently insufficient to determine the role of this variant in disease. Therefore, it has been classified as a Variant of Uncertain Significance. Advanced modeling of protein sequence and biophysical properties (such as structural, functional, and spatial information, amino acid conservation, physicochemical variation, residue mobility, and thermodynamic stability) performed at Invitae indicates that this missense variant is not expected to disrupt FLCN protein function. ClinVar contains an entry for this variant (Variation ID: 648489). This variant has not been reported in the literature in individuals affected with FLCN-related conditions. This variant is present in population databases (rs745521431, gnomAD 0.0009%). This sequence change replaces methionine, which is neutral and non-polar, with valine, which is neutral and non-polar, at codon 81 of the FLCN protein (p.Met81Val).